The following is an entry in ClinVar:

NM_022356.4(P3H1):c.830A>G (p.Asn277Ser)

Gene: P3H1 (prolyl 3-hydroxylase 1; minus strand). Cytogenetic location: 1p34.2.
Variant type: single nucleotide variant.
Coding change: c.830A>G on transcript NM_022356.4 (MANE Select); coding-DNA position 830, A replaced by G.
Protein change: p.Asn277Ser; replaces asparagine 277 with serine.
Molecular consequence: missense variant.
Genome position (GRCh38, 1-based): chr1:42,758,962, T>C on the plus strand (A>G on the coding strand, the complement: P3H1 is on the minus strand). VCF-style: chr1-42758962-T-C. GRCh37 (hg19) VCF-style: chr1-43224633-T-C.
Other names: c.830A>G, p.Asn277Ser (NM_001146289.2, NM_001243246.2); short protein forms N277S.
Identifiers: ClinVar variation 536814 (VCV000536814.7), dbSNP rs200403014, ClinGen allele CA802052.

ClinVar aggregate classification (germline): Conflicting classifications of pathogenicity. Review status: criteria provided, conflicting classifications (1 of 4 stars). 2 submissions from 2 submitters: Uncertain significance (1); Likely benign (1). Last evaluated 2025-06-09.

Conditions:
Inborn genetic diseases. Identifiers: MedGen C0950123, MeSH D030342.
Osteogenesis imperfecta type 8 (OI8). Identifiers: MedGen C1970458, MONDO:0012581, OMIM 610915.

Allele frequency attached by ClinVar (database versions not stated): ExAC 0.00002; gnomAD 0.00002 and 0.00003; TOPMed 0.00002; 1000 Genomes Project 30x 0.00016; 1000 Genomes Project 0.00020.
gnomAD v4.1: 20 of 1,614,208 alleles (0.0012%); highest among the groups gnomAD compares: Admixed American, 0.0017%; no homozygotes.

Submissions (2):

Ambry Genetics
Classification: Likely benign for Inborn genetic diseases. Last evaluated: 2025-06-09. Review status: criteria provided, single submitter. Criteria: Ambry Variant Classification Scheme 2023. Collection method: clinical testing. Allele origin: germline.

Labcorp Genetics (formerly Invitae), Labcorp
Classification: Uncertain significance for Osteogenesis imperfecta type 8. Last evaluated: 2025-01-06. Review status: criteria provided, single submitter. Criteria: Invitae Variant Classification Sherloc (09022015). Collection method: clinical testing. Allele origin: germline.
Comment: This sequence change replaces asparagine, which is neutral and polar, with serine, which is neutral and polar, at codon 277 of the P3H1 protein (p.Asn277Ser). This variant is present in population databases (rs200403014, gnomAD 0.007%). This variant has not been reported in the literature in individuals affected with P3H1-related conditions. ClinVar contains an entry for this variant (Variation ID: 536814). Invitae Evidence Modeling of protein sequence and biophysical properties (such as structural, functional, and spatial information, amino acid conservation, physicochemical variation, residue mobility, and thermodynamic stability) indicates that this missense variant is not expected to disrupt P3H1 protein function with a negative predictive value of 80%. In summary, the available evidence is currently insufficient to determine the role of this variant in disease. Therefore, it has been classified as a Variant of Uncertain Significance.